The following is an entry in ClinVar:

ClinVar aggregate classification (germline): Uncertain significance. Review status: criteria provided, multiple submitters, no conflicts (2 of 4 stars). 2 submissions from 2 submitters: Uncertain significance (2). Last evaluated 2025-07-08.

Conditions:
Autoinflammatory syndrome. Identifiers: Orphanet 93665, MedGen C3890737, MONDO:0019751.
Familial hemophagocytic lymphohistiocytosis 5. Also called: STXBP2-Related Familial Hemophagocytic Lymphohistiocytosis (STXBP2-fHLH). Identifiers: Orphanet 540, MedGen C2751293, MONDO:0013135, OMIM 613101.

Allele frequency attached by ClinVar (database versions not stated): TOPMed below 0.00001; gnomAD 0.00001; gnomAD exomes 0.00001 and below 0.00001.
gnomAD v4.1: 9 of 1,613,770 alleles (0.00056%); highest among the groups gnomAD compares: Non-Finnish European, 0.00076%; no homozygotes.

Submissions (2):

Labcorp Genetics (formerly Invitae), Labcorp
Classification: Uncertain significance for Familial hemophagocytic lymphohistiocytosis 5. Last evaluated: 2025-07-08. Review status: criteria provided, single submitter. Criteria: Invitae Variant Classification Sherloc (09022015). Collection method: clinical testing. Allele origin: germline.
Comment: This sequence change replaces arginine, which is basic and polar, with glycine, which is neutral and non-polar, at codon 308 of the STXBP2 protein (p.Arg308Gly). This variant is not present in population databases (gnomAD no frequency). This variant has not been reported in the literature in individuals affected with STXBP2-related conditions. ClinVar contains an entry for this variant (Variation ID: 1694172). Invitae Evidence Modeling of protein sequence and biophysical properties (such as structural, functional, and spatial information, amino acid conservation, physicochemical variation, residue mobility, and thermodynamic stability) indicates that this missense variant is not expected to disrupt STXBP2 protein function with a negative predictive value of 95%. In summary, the available evidence is currently insufficient to determine the role of this variant in disease. Therefore, it has been classified as a Variant of Uncertain Significance.

Genome Diagnostics Laboratory, The Hospital for Sick Children
Classification: Uncertain significance for Autoinflammatory syndrome. Last evaluated: 2020-07-30. Review status: criteria provided, single submitter. Criteria: ACMG Guidelines, 2015. Collection method: clinical testing. Allele origin: germline. Affected: yes.

NM_006949.4(STXBP2):c.922A>G (p.Arg308Gly)

Gene: STXBP2 (syntaxin binding protein 2; plus strand). Cytogenetic location: 19p13.2.
Variant type: single nucleotide variant.
Coding change: c.922A>G on transcript NM_006949.4 (MANE Select); coding-DNA position 922, A replaced by G.
Protein change: p.Arg308Gly; replaces arginine 308 with glycine.
Molecular consequence: missense variant. On other transcripts: non-coding transcript variant (1).
Genome position (GRCh38, 1-based): chr19:7,642,785, A>G. VCF-style: chr19-7642785-A-G. GRCh37 (hg19) VCF-style: chr19-7707671-A-G.
Other names: c.913A>G, p.Arg305Gly (NM_001127396.3); c.955A>G, p.Arg319Gly (NM_001272034.2); short protein forms R305G, R308G, R319G.
Identifiers: ClinVar variation 1694172 (VCV001694172.4), dbSNP rs1365138433, ClinGen allele CA403160081.
Genomic context (GRCh38, chr19:7,642,785, plus strand): 5'-CCTCTCCCCTCACTCTCACCCCCGCCCACCCTCATGGCCAGGAAGGTCACGGAGCTCCTG[A>G]GGACCTTCTGTGAGAGCAAGAGGCTGACCACGGACAAGGTAGGGGCGGACCCAGGTCACC-3'
Protein context (NP_008880.2, residues 298-318): DVSKKVTELL[Arg308Gly]TFCESKRLTT